The following is an entry in ClinVar:

NM_001429.4(EP300):c.1532C>T (p.Ala511Val)

Gene: EP300 (EP300 lysine acetyltransferase; plus strand). Cytogenetic location: 22q13.2.
Variant type: single nucleotide variant.
Coding change: c.1532C>T on transcript NM_001429.4 (MANE Select); coding-DNA position 1532, C replaced by T.
Protein change: p.Ala511Val; replaces alanine 511 with valine.
Molecular consequence: missense variant.
Genome position (GRCh38, 1-based): chr22:41,135,816, C>T. VCF-style: chr22-41135816-C-T. GRCh37 (hg19) VCF-style: chr22-41531820-C-T.
Other names: c.1532C>T, p.Ala511Val (NM_001362843.2); short protein forms A511V.
Identifiers: ClinVar variation 2430895 (VCV002430895.2), dbSNP rs374245119, ClinGen allele CA411686617.
Genomic context (GRCh38, chr22:41,135,816, plus strand): 5'-TATTGTATGGTGGCTGTTGTATTTATTTCTGTCTCCTGTTATTTCATTTTGACTTAGGTG[C>T]TAGTCCTATGGGAGTAAATGGAGGTGTAGGAGTTCAAACGCCGAGTCTTCTTTCTGACTC-3'
Protein context (NP_001420.2, residues 501-521): QGMRPMSNMS[Ala511Val]SPMGVNGGVG

ClinVar aggregate classification (germline): Uncertain significance. Review status: criteria provided, multiple submitters, no conflicts (2 of 4 stars). 2 submissions from 2 submitters: Uncertain significance (2). Last evaluated 2026-07-31.

Conditions:
EP300-related disorder. Also called: EP300-related disorders; EP300-related condition.

gnomAD v4.1: 1 of 1,610,870 alleles (0.000062%); highest among the groups gnomAD compares: Non-Finnish European, 0.000085%; no homozygotes.

Submissions (2):

PreventionGenetics, part of Exact Sciences
Classification: Uncertain significance for EP300-related condition. Last evaluated: 2026-07-31. Review status: criteria provided, single submitter. Criteria: ACMG Guidelines, 2015. Collection method: clinical testing. Allele origin: germline.
Comment: The EP300 c.1532C>T variant is predicted to result in the amino acid substitution p.Ala511Val. To our knowledge, this variant has not been reported in the literature or in a large population database (gnomAD), indicating this variant is rare. At this time, the clinical significance of this variant is uncertain due to the absence of conclusive functional and genetic evidence.

GeneDx
Classification: Uncertain significance. Last evaluated: 2022-08-17. Review status: criteria provided, single submitter. Criteria: GeneDx Variant Classification Process June 2021. Collection method: clinical testing. Allele origin: germline. Affected: yes.
Comment: Not observed at significant frequency in large population cohorts (gnomAD); In silico analysis supports that this missense variant does not alter protein structure/function; Has not been previously published as pathogenic or benign to our knowledge